The following is an entry in ClinVar:

NM_001348323.3(TRIP12):c.449A>G (p.His150Arg)

Gene: TRIP12 (thyroid hormone receptor interactor 12; minus strand). Cytogenetic location: 2q36.3.
Variant type: single nucleotide variant.
Coding change: c.449A>G on transcript NM_001348323.3 (MANE Select); coding-DNA position 449, A replaced by G.
Protein change: p.His150Arg; replaces histidine 150 with arginine.
Molecular consequence: missense variant. On other transcripts: intron variant (1).
Genome position (GRCh38, 1-based): chr2:229,859,350, T>C on the plus strand (A>G on the coding strand, the complement: TRIP12 is on the minus strand). VCF-style: chr2-229859350-T-C. GRCh37 (hg19) VCF-style: chr2-230724066-T-C.
Other names: c.449A>G, p.His150Arg (NM_001284214.2, NM_001348315.2, NM_001348319.1 and 15 more transcripts); c.323A>G, p.His108Arg (NM_001284215.2, NM_001348316.2, NM_001348317.1 and 3 more transcripts); c.98+20632A>G (NM_001284216.2); short protein forms H108R, H150R.
Identifiers: ClinVar variation 1723266 (VCV001723266.1), dbSNP rs2060114210, ClinGen allele CA350898240.

ClinVar aggregate classification (germline): Uncertain significance (1 of 4 stars; one submission).

Allele frequency attached by ClinVar (database versions not stated): TOPMed below 0.00001.

Submission:

Women's Health and Genetics/Laboratory Corporation of America, LabCorp
Classification: Uncertain significance. Last evaluated: 2022-10-02. Review status: criteria provided, single submitter. Criteria: LabCorp Variant Classification Summary - May 2015. Collection method: clinical testing. Allele origin: germline.
Comment: Variant summary: TRIP12 c.449A>G (p.His150Arg) results in a non-conservative amino acid change in the encoded protein sequence. Three of five in-silico tools predict a benign effect of the variant on protein function. The variant was absent in 251490 control chromosomes (gnomAD). The available data on variant occurrences in the general population are insufficient to allow any conclusion about variant significance. To our knowledge, no occurrence of c.449A>G in individuals affected with Clark-Baraitser Syndrome and no experimental evidence demonstrating its impact on protein function have been reported. No clinical diagnostic laboratories have submitted clinical-significance assessments for this variant to ClinVar after 2014. Based on the evidence outlined above, the variant was classified as uncertain significance.